The following is an entry in ClinVar:

ClinVar aggregate classification (germline): Pathogenic (1 of 4 stars; one submission).

Submission:

Quest Diagnostics Nichols Institute San Juan Capistrano
Classification: Pathogenic. Last evaluated: 2023-06-04. Review status: criteria provided, single submitter. Criteria: ACMG/ClinGen CNV Guidelines, 2019. Collection method: clinical testing. Allele origin: unknown.
Comment: This recurrent deletion interval (BP1-BP2) is associated with chromosome 15q11.2 deletion syndrome (OMIM 615656). Deletion of the 15q11.2 (including NIPA1 and NIPA2 locus)region has previously been reported in association with highly variable clinical phenotypes (Butler 2017, ENIGMA-CNV Working Group 2020, Jonch 2019, Kendall 2019, Stefansson 2014, Coe 2014). Currently, this copy number loss is best described as a susceptibility locus with variable phenotypic expressivity and incomplete penetrance. ClinGen updated the 15q11.2 haploinsufficiency dosage sensitivity to pathogenic (HI score of 3). Therefore, this deletion is interpreted as pathogenic with reduced penetrance. References: Butler, J Intellect Disabil Res. 2017 Jun;61(6):568-579. PMID: 28387067 ENIGMA-CNV Working Group, JAMA Psychiatry. 2020 Apr 1;77(4):420-430. PMID: 31665216 Jonch et al., J Med Genet. 2019 Oct;56(10):701-710. PMID: 31451536 Kendall et al., Br J Psychiatry. 2019 May;214(5):297-304. PMID: 30767844 Coe et al., Nat Genet. 2014 Oct;46(10):1063-71., PMID: 25217958 Stefansson et al., Nature. 2014 Jan 16;505(7483):361-6. PMID: 24352232

GRCh37/hg19 15q11.2(chr15:22770422-23082328)x1

Genes: CYFIP1 (cytoplasmic FMR1 interacting protein 1; minus strand), NIPA1 (NIPA magnesium transporter 1; plus strand), NIPA2 (NIPA magnesium transporter 2; plus strand), TUBGCP5 (tubulin gamma complex component 5; minus strand). Cytogenetic location: 15q11.2.
Variant type: copy number loss.
Change: copy number 1 (one copy instead of two) of chr15:22,770,422-23,082,328 (311.9 kb, GRCh37 coordinates, 1-based), cytogenetic band 15q11.2.
Identifiers: ClinVar variation 1808506 (VCV001808506.2).